The following is an entry in ClinVar:

NC_000012.12:g.132473214G>T

Gene: MUC8 (mucin 8; minus strand). Cytogenetic location: 12q24.33.
Variant type: single nucleotide variant.
Genome position: GRCh38 VCF-style: chr12-132473214-G-T. GRCh37 (hg19) VCF-style: chr12-133049800-G-T.
Identifiers: ClinVar variation 5039176 (VCV005039176.1).

ClinVar aggregate classification (germline): Likely benign (1 of 4 stars; one submission).

Submission:

CeGaT Center for Human Genetics Tuebingen
Classification: Likely benign. Last evaluated: 2026-08-01. Review status: criteria provided, single submitter. Criteria: CeGaT Center For Human Genetics Tuebingen Variant Classification Criteria Version 2. Collection method: clinical testing. Allele origin: germline. Affected: yes. Observed: 1 variant allele.
Comment: MUC8: BP4, BP7